The following is an entry in ClinVar:

NM_006231.4(POLE):c.2401T>C (p.Tyr801His)

Gene: POLE (DNA polymerase epsilon, catalytic subunit; minus strand). Cytogenetic location: 12q24.33.
Variant type: single nucleotide variant.
Coding change: c.2401T>C on transcript NM_006231.4 (MANE Select); coding-DNA position 2401, T replaced by C.
Protein change: p.Tyr801His; replaces tyrosine 801 with histidine.
Molecular consequence: missense variant.
Genome position (GRCh38, 1-based): chr12:132,665,369, A>G on the plus strand (T>C on the coding strand, the complement: POLE is on the minus strand). VCF-style: chr12-132665369-A-G. GRCh37 (hg19) VCF-style: chr12-133241955-A-G.
Other names: short protein forms Y801H.
Identifiers: ClinVar variation 3667148 (VCV003667148.2).

ClinVar aggregate classification (germline): Uncertain significance (1 of 4 stars; one submission).

Submission:

Labcorp Genetics (formerly Invitae), Labcorp
Classification: Uncertain significance. Last evaluated: 2024-12-12. Review status: criteria provided, single submitter. Criteria: Invitae Variant Classification Sherloc (09022015). Collection method: clinical testing. Allele origin: germline.
Comment: This sequence change replaces tyrosine, which is neutral and polar, with histidine, which is basic and polar, at codon 801 of the POLE protein (p.Tyr801His). This variant is not present in population databases (gnomAD no frequency). This variant has not been reported in the literature in individuals affected with POLE-related conditions. Invitae Evidence Modeling of protein sequence and biophysical properties (such as structural, functional, and spatial information, amino acid conservation, physicochemical variation, residue mobility, and thermodynamic stability) indicates that this missense variant is expected to disrupt POLE protein function with a positive predictive value of 80%. In summary, the available evidence is currently insufficient to determine the role of this variant in disease. Therefore, it has been classified as a Variant of Uncertain Significance.